The following is an entry in ClinVar:

ClinVar aggregate classification (germline): Pathogenic/Likely pathogenic. Review status: criteria provided, multiple submitters, no conflicts (2 of 4 stars). 3 submissions from 3 submitters: Pathogenic (1); Likely pathogenic (2). Last evaluated 2021-05-01.

Conditions:
Hereditary spastic paraplegia 48. Also called: SPASTIC PARAPLEGIA 48, AUTOSOMAL RECESSIVE; Spastic paraplegia 48. Identifiers: Orphanet 306511, MedGen C3150901, MONDO:0013342, OMIM 613647.

Submissions (3):

Labcorp Genetics (formerly Invitae), Labcorp
Classification: Pathogenic for Hereditary spastic paraplegia 48. Last evaluated: 2021-05-01. Review status: criteria provided, single submitter. Criteria: Invitae Variant Classification Sherloc (09022015). Collection method: clinical testing. Allele origin: germline.
Comment: For these reasons, this variant has been classified as Pathogenic. This variant has not been reported in the literature in individuals with AP5Z1-related conditions. ClinVar contains an entry for this variant (Variation ID: 446850). This variant is not present in population databases (ExAC no frequency). This sequence change creates a premature translational stop signal (p.Leu120Serfs*6) in the AP5Z1 gene. It is expected to result in an absent or disrupted protein product. Loss-of-function variants in AP5Z1 are known to be pathogenic (PMID: 20613862, 27606357).

GeneDx
Classification: Likely pathogenic. Last evaluated: 2017-09-14. Review status: criteria provided, single submitter. Criteria: GeneDx Variant Classification (06012015). Collection method: clinical testing. Allele origin: germline. Affected: yes.
Comment: The c.355_358dupCTCT variant in the AP5Z1 gene has not been reported previously as a pathogenic variant nor as a benign variant, to our knowledge. The c.355_358dupCTCT variant causes a frameshift starting with codon Leucine 120, changes this amino acid to a Serine residue, and creates a premature Stop codon at position 6 of the new reading frame, denoted p.Leu120SerfsX6. This variant is predicted to cause loss of normal protein function either through protein truncation or nonsense-mediated mRNA decay. The c.355_358dupCTCT variant is not observed in large population cohorts (Lek et al., 2016; 1000 Genomes Consortium et al., 2015; Exome Variant Server). We interpret c.355_358dupCTCT as a likely pathogenic variant.

Athena Diagnostics
Classification: Likely pathogenic. Last evaluated: 2017-05-26. Review status: criteria provided, single submitter. Criteria: Athena Diagnostics Criteria. Collection method: clinical testing. Allele origin: germline.

Literature cited by the submitters: PubMed 20613862 (cited by Labcorp Genetics (formerly Invitae), Labcorp); PubMed 27606357 (cited by Labcorp Genetics (formerly Invitae), Labcorp).

NM_014855.3(AP5Z1):c.355_358dup (p.Leu120fs)

Gene: AP5Z1 (adaptor related protein complex 5 subunit zeta 1; plus strand). Cytogenetic location: 7p22.1.
Variant type: Microsatellite.
Coding change: c.355_358dup on transcript NM_014855.3 (MANE Select); coding-DNA positions 355 to 358, 4 bases duplicated (CTCT; older notation c.355_358dupCTCT).
Protein change: p.Leu120fs; shifts the reading frame from leucine 120.
Molecular consequence: frameshift variant. On other transcripts: non-coding transcript variant (1), intron variant (1).
Genome position (GRCh38, 1-based): chr7:4,781,743-4,781,746, CTCT duplicated; duplicating any 4 consecutive bases within chr7:4,781,742-4,781,746 gives the same sequence; the c. name uses the placement nearest the transcript's 3' end. VCF-style (leftmost placement, unchanged base first): chr7-4781741-T-TTCTC. GRCh37 (hg19) VCF-style: chr7-4821372-T-TTCTC.
Other names: c.-103+430TC[4] (NM_001364858.1); c.355_358dupCTCT (NM_014855.2); short protein forms L120fs.
Identifiers: ClinVar variation 446850 (VCV000446850.7), dbSNP rs1554257381, ClinGen allele CA658657642.
Genomic context (GRCh38, chr7:4,781,741, plus strand): 5'-GCCTCAGCCTGGCCTGGGACCACACGCAGAACAGCCGGCAGCTGAGCCTGGTGGCCTCCG[T>TTCTC]TCTCTTGGCCCAGGTAGCGCAGCAGTCACCACCCCAGTTGGCACCGGATGGCTGCTTCCC-3'